The following is an entry in ClinVar:

NM_006341.4(MAD2L2):c.70G>C (p.Glu24Gln)

Gene: MAD2L2 (mitotic arrest deficient 2 like 2; minus strand). Cytogenetic location: 1p36.22.
Variant type: single nucleotide variant.
Coding change: c.70G>C on transcript NM_006341.4 (MANE Select); coding-DNA position 70, G replaced by C.
Protein change: p.Glu24Gln; replaces glutamic acid 24 with glutamine.
Molecular consequence: missense variant.
Genome position (GRCh38, 1-based): chr1:11,680,442, C>G on the plus strand (G>C on the coding strand, the complement: MAD2L2 is on the minus strand). VCF-style: chr1-11680442-C-G. GRCh37 (hg19) VCF-style: chr1-11740499-C-G.
Other names: c.70G>C, p.Glu24Gln (NM_001127325.2); short protein forms E24Q.
Identifiers: ClinVar variation 2004613 (VCV002004613.5), dbSNP rs1296763654, ClinGen allele CA338418475.
Genomic context (GRCh38, chr1:11,680,442, plus strand): 5'-TCTGGAAGATGCCCACGGGGTAGACCTCGCGCACGTAGAGGATGAGATGCACAGCCACCT[C>G]CAGGAACTCGCAGAGCACATCGGCCACCACTGCAGGGGGGCACAAGCCGGTGGCGCGCTC-3'
Protein context (NP_006332.3, residues 14-34): VVADVLCEFL[Glu24Gln]VAVHLILYVR

ClinVar aggregate classification (germline): Uncertain significance (1 of 4 stars; one submission).

Allele frequency attached by ClinVar (database versions not stated): TOPMed below 0.00001.
gnomAD v4.1: 7 of 1,613,926 alleles (0.00043%); highest among the groups gnomAD compares: Non-Finnish European, 0.00059%; no homozygotes.

Submissions (2):

Labcorp Genetics (formerly Invitae), Labcorp
Classification: Uncertain significance. Last evaluated: 2023-08-24. Review status: criteria provided, single submitter. Criteria: Invitae Variant Classification Sherloc (09022015). Collection method: clinical testing. Allele origin: germline.
Comment: An algorithm developed to predict the effect of missense changes on protein structure and function (PolyPhen-2) suggests that this variant is likely to be disruptive. Algorithms developed to predict the effect of sequence changes on RNA splicing suggest that this variant may create or strengthen a splice site. In summary, the available evidence is currently insufficient to determine the role of this variant in disease. Therefore, it has been classified as a Variant of Uncertain Significance. ClinVar contains an entry for this variant (Variation ID: 2004613). This sequence change replaces glutamic acid, which is acidic and polar, with glutamine, which is neutral and polar, at codon 24 of the MAD2L2 protein (p.Glu24Gln). This variant is present in population databases (no rsID available, gnomAD 0.0009%). This variant has not been reported in the literature in individuals affected with MAD2L2-related conditions.

Dr. Peter K. Rogan Lab, Western University
No classification provided (evidence only). Condition: Ovarian cancer. Review status: no classification provided. Collection method: in vitro. Allele origin: not applicable. Functional consequence: retained intron. Not counted in ClinVar's aggregate classification.